The following is an entry in ClinVar:

ClinVar aggregate classification (germline): Likely benign. Review status: criteria provided, multiple submitters, no conflicts (2 of 4 stars). 2 submissions from 2 submitters: Likely benign (2). Last evaluated 2025-05-08.

Conditions:
Tuberous sclerosis 2 (TSC2). Identifiers: Orphanet 805, MedGen C1860707, MONDO:0013199, OMIM 613254.

Allele frequency attached by ClinVar (database versions not stated): gnomAD exomes below 0.00001.
gnomAD v4.1: 2 of 1,613,728 alleles (0.00012%); highest among the groups gnomAD compares: South Asian, 0.0022%; no homozygotes.

Submissions (2):

Myriad Genetics, Inc.
Classification: Likely benign for Tuberous sclerosis 2. Last evaluated: 2025-05-08. Review status: criteria provided, single submitter. Criteria: Myriad Autosomal Dominant, Autosomal Recessive and X-Linked Classification Criteria (2023). Collection method: clinical testing. Allele origin: unknown.
Comment: This variant is considered likely benign. This variant is intronic and is not expected to impact mRNA splicing.

Labcorp Genetics (formerly Invitae), Labcorp
Classification: Likely benign for Tuberous sclerosis 2. Last evaluated: 2023-09-05. Review status: criteria provided, single submitter. Criteria: Invitae Variant Classification Sherloc (09022015). Collection method: clinical testing. Allele origin: germline.

NM_000548.5(TSC2):c.600-16T>C

Gene: TSC2 (TSC complex subunit 2; plus strand). Cytogenetic location: 16p13.3.
Variant type: single nucleotide variant.
Coding change: c.600-16T>C on transcript NM_000548.5 (MANE Select); 16 bases into the intron before coding-DNA position 600, T replaced by C.
Molecular consequence: intron variant. On other transcripts: 5 prime UTR variant (4).
Genome position (GRCh38, 1-based): chr16:2,056,180, T>C. VCF-style: chr16-2056180-T-C. GRCh37 (hg19) VCF-style: chr16-2106181-T-C.
Other names: c.-17T>C (NM_001406680.1, NM_001406683.1, NM_001406687.1); c.-848T>C (NM_001406693.1); c.690-16T>C (NM_001406667.1, NM_001406668.1); c.-832-16T>C (NM_001406689.1, NM_001406690.1, NM_001406692.1 and 2 more transcripts); c.-1008-16T>C (NM_001406698.1); c.600-16T>C (NM_001114382.3, NM_001406663.1, NM_001406664.1 and 8 more transcripts); c.-713-16T>C (NM_001406694.1, NM_001406695.1); c.-820-16T>C (NM_001406696.1); and 6 more.
Identifiers: ClinVar variation 2758241 (VCV002758241.4), dbSNP rs2548449228, ClinGen allele CA394310405.